The following is an entry in ClinVar:

ClinVar aggregate classification (germline): Uncertain significance. Review status: criteria provided, multiple submitters, no conflicts (2 of 4 stars). 2 submissions from 2 submitters: Uncertain significance (2). Last evaluated 2022-10-18.

Conditions:
Inborn genetic diseases. Identifiers: MedGen C0950123, MeSH D030342.
Joubert syndrome 15 (JBTS15). Identifiers: Orphanet 475, MedGen C3280897, MONDO:0013763, OMIM 614464.

Allele frequency attached by ClinVar (database versions not stated): gnomAD exomes 0.00001 and 0.00008; gnomAD 0.00003; TOPMed 0.00004; ExAC 0.00008.
gnomAD v4.1: 28 of 1,612,604 alleles (0.0017%); highest among the groups gnomAD compares: East Asian, 0.047%; no homozygotes.

Submissions (2):

Labcorp Genetics (formerly Invitae), Labcorp
Classification: Uncertain significance for Joubert syndrome 15. Last evaluated: 2022-10-18. Review status: criteria provided, single submitter. Criteria: Invitae Variant Classification Sherloc (09022015). Collection method: clinical testing. Allele origin: germline.
Comment: This sequence change replaces serine, which is neutral and polar, with alanine, which is neutral and non-polar, at codon 2 of the CEP41 protein (p.Ser2Ala). This variant is present in population databases (rs782769549, gnomAD 0.1%). This variant has not been reported in the literature in individuals affected with CEP41-related conditions. ClinVar contains an entry for this variant (Variation ID: 839755). Algorithms developed to predict the effect of missense changes on protein structure and function are either unavailable or do not agree on the potential impact of this missense change (SIFT: "Deleterious"; PolyPhen-2: "Benign"; Align-GVGD: "Class C0"). In summary, the available evidence is currently insufficient to determine the role of this variant in disease. Therefore, it has been classified as a Variant of Uncertain Significance.

Ambry Genetics
Classification: Uncertain significance for Inborn genetic diseases. Last evaluated: 2021-07-15. Review status: criteria provided, single submitter. Criteria: Ambry Variant Classification Scheme 2023. Collection method: clinical testing. Allele origin: germline.

NM_018718.3(CEP41):c.4T>G (p.Ser2Ala)

Gene: CEP41 (centrosomal protein 41; minus strand). Cytogenetic location: 7q32.2.
Variant type: single nucleotide variant.
Coding change: c.4T>G on transcript NM_018718.3 (MANE Select); coding-DNA position 4, T replaced by G.
Protein change: p.Ser2Ala; replaces serine 2 with alanine.
Molecular consequence: missense variant. On other transcripts: non-coding transcript variant (1).
Genome position (GRCh38, 1-based): chr7:130,440,963, A>C on the plus strand (T>G on the coding strand, the complement: CEP41 is on the minus strand). VCF-style: chr7-130440963-A-C. GRCh37 (hg19) VCF-style: chr7-130080804-A-C.
Other names: c.4T>G (NM_018718.1); c.4T>G, p.Ser2Ala (NM_001257158.2, NM_001257159.2, NM_001257160.2); short protein forms S2A.
Identifiers: ClinVar variation 839755 (VCV000839755.7), dbSNP rs782769549, ClinGen allele CA4485757.